The following is an entry in ClinVar:

NM_015213.4(DENND5A):c.1973T>C (p.Met658Thr)

Gene: DENND5A (DENN domain containing 5A; minus strand). Cytogenetic location: 11p15.4.
Variant type: single nucleotide variant.
Coding change: c.1973T>C on transcript NM_015213.4 (MANE Select); coding-DNA position 1973, T replaced by C.
Protein change: p.Met658Thr; replaces methionine 658 with threonine.
Molecular consequence: missense variant. On other transcripts: non-coding transcript variant (1).
Genome position (GRCh38, 1-based): chr11:9,170,711, A>G on the plus strand (T>C on the coding strand, the complement: DENND5A is on the minus strand). VCF-style: chr11-9170711-A-G. GRCh37 (hg19) VCF-style: chr11-9192258-A-G.
Other names: c.1973T>C, p.Met658Thr (NM_001243254.2, NM_001348748.1); c.1901T>C, p.Met634Thr (NM_001348749.2); c.1685T>C, p.Met562Thr (NM_001348750.2); short protein forms M562T, M634T, M658T.
Identifiers: ClinVar variation 2008960 (VCV002008960.4), dbSNP rs2493804242, ClinGen allele CA379611963.
Genomic context (GRCh38, chr11:9,170,711, plus strand): 5'-AGTACATCAGACTGCAGCTTAGGGAAGAAGCCCGGCTCATATTTCCCTTGTCCAATCTTC[A>G]TGTCAAGTAAATGTGGGTGAATTGCAGTATGGTCAATTTTTGCCAGACGCAGCTCAATTG-3'
Protein context (NP_056028.2, residues 648-668): HTAIHPHLLD[Met658Thr]KIGQGKYEPG

ClinVar aggregate classification (germline): Uncertain significance (1 of 4 stars; one submission).

Submission:

Labcorp Genetics (formerly Invitae), Labcorp
Classification: Uncertain significance. Last evaluated: 2022-08-23. Review status: criteria provided, single submitter. Criteria: Invitae Variant Classification Sherloc (09022015). Collection method: clinical testing. Allele origin: germline.
Comment: In summary, the available evidence is currently insufficient to determine the role of this variant in disease. Therefore, it has been classified as a Variant of Uncertain Significance. Algorithms developed to predict the effect of missense changes on protein structure and function are either unavailable or do not agree on the potential impact of this missense change (SIFT: "Deleterious"; PolyPhen-2: "Benign"; Align-GVGD: "Class C0"). This sequence change replaces methionine, which is neutral and non-polar, with threonine, which is neutral and polar, at codon 658 of the DENND5A protein (p.Met658Thr). This variant is not present in population databases (gnomAD no frequency). This variant has not been reported in the literature in individuals affected with DENND5A-related conditions.